The following is an entry in ClinVar:

ClinVar aggregate classification (germline): Uncertain significance (1 of 4 stars; one submission).

Conditions:
Ullrich congenital muscular dystrophy 2 (UCMD2). Identifiers: Orphanet 75840, MedGen C4225314, MONDO:0014654, OMIM 616470.
Bethlem myopathy 2 (BTHLM2). Identifiers: Orphanet 536516, Orphanet 610, MedGen C4225313, MONDO:0034022, OMIM 616471.

Allele frequency attached by ClinVar (database versions not stated): gnomAD exomes 0.00001; ExAC 0.00002.
gnomAD v4.1: 4 of 1,613,912 alleles (0.00025%); highest among the groups gnomAD compares: Non-Finnish European, 0.00034%; no homozygotes.

Submission:

Labcorp Genetics (formerly Invitae), Labcorp
Classification: Uncertain significance for Bethlem myopathy 2; Ullrich congenital muscular dystrophy 2. Last evaluated: 2019-10-23. Review status: criteria provided, single submitter. Criteria: Invitae Variant Classification Sherloc (09022015). Collection method: clinical testing. Allele origin: germline.
Comment: In summary, the available evidence is currently insufficient to determine the role of this variant in disease. Therefore, it has been classified as a Variant of Uncertain Significance. Algorithms developed to predict the effect of missense changes on protein structure and function (SIFT, PolyPhen-2, Align-GVGD) all suggest that this variant is likely to be tolerated, but these predictions have not been confirmed by published functional studies and their clinical significance is uncertain. This variant has not been reported in the literature in individuals with COL12A1-related conditions. This variant is present in population databases (rs775117257, ExAC 0.003%). This sequence change replaces glutamic acid with glutamine at codon 1587 of the COL12A1 protein (p.Glu1587Gln). The glutamic acid residue is moderately conserved and there is a small physicochemical difference between glutamic acid and glutamine.

NM_004370.6(COL12A1):c.4759G>C (p.Glu1587Gln)

Gene: COL12A1 (collagen type XII alpha 1 chain; minus strand). Cytogenetic location: 6q13.
Variant type: single nucleotide variant.
Coding change: c.4759G>C on transcript NM_004370.6 (MANE Select); coding-DNA position 4759, G replaced by C.
Protein change: p.Glu1587Gln; replaces glutamic acid 1587 with glutamine.
Molecular consequence: missense variant.
Genome position (GRCh38, 1-based): chr6:75,143,320, C>G on the plus strand (G>C on the coding strand, the complement: COL12A1 is on the minus strand). VCF-style: chr6-75143320-C-G. GRCh37 (hg19) VCF-style: chr6-75853036-C-G.
Other names: c.1267G>C, p.Glu423Gln (NM_080645.3); short protein forms E423Q, E1587Q.
Identifiers: ClinVar variation 967297 (VCV000967297.10), dbSNP rs775117257, ClinGen allele CA3893354.
Genomic context (GRCh38, chr6:75,143,320, plus strand): 5'-CATCCTCTTCTGGTGTTTTGTATCGAACAATATATTTACGCACTTTTCCAGGCACAGGTT[C>G]CCAAAAGACATTCATAGTGCTGTGAGTCACATCTCTGAGTTTCAGATCCTGAGGTCTGGG-3'
Protein context (NP_004361.3, residues 1577-1597): VTHSTMNVFW[Glu1587Gln]PVPGKVRKYI